The following is an entry in ClinVar:

NM_203486.3(DLL3):c.1036C>T (p.Gln346Ter)

Gene: DLL3 (delta like canonical Notch ligand 3; plus strand). Cytogenetic location: 19q13.2.
Variant type: single nucleotide variant.
Coding change: c.1036C>T on transcript NM_203486.3 (MANE Select); coding-DNA position 1036, C replaced by T.
Protein change: p.Gln346Ter; replaces glutamine 346 with a stop codon.
Molecular consequence: nonsense.
Genome position (GRCh38, 1-based): chr19:39,505,394, C>T. VCF-style: chr19-39505394-C-T. GRCh37 (hg19) VCF-style: chr19-39996034-C-T.
Other names: c.1036C>T, p.Gln346Ter (NM_016941.4); short protein forms Q346*.
Identifiers: ClinVar variation 2725640 (VCV002725640.4), dbSNP rs752277223, ClinGen allele CA9432337.

ClinVar aggregate classification (germline): Pathogenic/Likely pathogenic. Review status: criteria provided, multiple submitters, no conflicts (2 of 4 stars). 2 submissions from 2 submitters: Pathogenic (1); Likely pathogenic (1). Last evaluated 2024-06-15.

Conditions:
Spondylocostal dysostosis 1, autosomal recessive (SCDO1). Also called: DLL3-Related Spondylocostal Dysostosis, Autosomal Recessive. Identifiers: Orphanet 2311, MedGen CN032975, MONDO:0020692, OMIM 277300.

Allele frequency attached by ClinVar (database versions not stated): ExAC 0.00001; gnomAD 0.00001; TOPMed 0.00001.
gnomAD v4.1: 1 of 1,613,974 alleles (0.000062%); highest among the groups gnomAD compares: Non-Finnish European, 0.000085%; no homozygotes.

Submissions (2):

Fulgent Genetics
Classification: Likely pathogenic for Spondylocostal dysostosis 1, autosomal recessive. Last evaluated: 2024-06-15. Review status: criteria provided, single submitter. Criteria: ACMG Guidelines, 2015. Collection method: clinical testing. Allele origin: germline.

Labcorp Genetics (formerly Invitae), Labcorp
Classification: Pathogenic. Last evaluated: 2023-11-24. Review status: criteria provided, single submitter. Criteria: Invitae Variant Classification Sherloc (09022015). Collection method: clinical testing. Allele origin: germline.
Comment: This sequence change creates a premature translational stop signal (p.Gln346*) in the DLL3 gene. It is expected to result in an absent or disrupted protein product. Loss-of-function variants in DLL3 are known to be pathogenic (PMID: 12746394). This variant is present in population databases (rs752277223, gnomAD 0.0009%). This variant has not been reported in the literature in individuals affected with DLL3-related conditions. For these reasons, this variant has been classified as Pathogenic.

Literature cited by the submitters: PubMed 12746394 (cited by Labcorp Genetics (formerly Invitae), Labcorp).